The following is an entry in ClinVar:

NM_017757.3(ZNF407):c.5835G>T (p.Gly1945=)

Gene: ZNF407 (zinc finger protein 407; plus strand). Cytogenetic location: 18q22.3.
Variant type: single nucleotide variant.
Coding change: c.5835G>T on transcript NM_017757.3 (MANE Select); coding-DNA position 5835, G replaced by T.
Protein change: p.Gly1945=; no amino-acid change (glycine 1945 retained).
Molecular consequence: synonymous variant.
Genome position (GRCh38, 1-based): chr18:75,063,556, G>T. VCF-style: chr18-75063556-G-T. GRCh37 (hg19) VCF-style: chr18-72775512-G-T.
Other names: c.5835G>T, p.Gly1945= (NM_001384475.1).
Identifiers: ClinVar variation 4821783 (VCV004821783.4).

ClinVar aggregate classification (germline): Likely benign (1 of 4 stars; one submission).

Submission:

CeGaT Center for Human Genetics Tuebingen
Classification: Likely benign. Last evaluated: 2026-05-01. Review status: criteria provided, single submitter. Criteria: CeGaT Center For Human Genetics Tuebingen Variant Classification Criteria Version 2. Collection method: clinical testing. Allele origin: germline. Affected: yes. Observed: 4 variant alleles.
Comment: ZNF407: PM2:Supporting, BP4, BP7